The following is an entry in ClinVar:

ClinVar aggregate classification (germline): Uncertain significance (1 of 4 stars; one submission).

Conditions:
Autosomal recessive limb-girdle muscular dystrophy type 2Q (LGMDR17). Also called: MUSCULAR DYSTROPHY, LIMB-GIRDLE, AUTOSOMAL RECESSIVE 17. Identifiers: Orphanet 254361, MedGen C3150989, MONDO:0013390, OMIM 613723.
Epidermolysis bullosa simplex 5B, with muscular dystrophy (EBS5B). Also called: EPIDERMOLYSIS BULLOSA SIMPLEX AND LIMB-GIRDLE MUSCULAR DYSTROPHY; Epidermolysis bullosa simplex with muscular dystrophy. Identifiers: Orphanet 257, MedGen C2931072, MONDO:0009181, OMIM 226670.
Epidermolysis bullosa simplex, Ogna type (EBS5A). Also called: Pidermolysis bullosa simplex 5A, Ogna type; EPIDERMOLYSIS BULLOSA SIMPLEX 5A, OGNA TYPE. Identifiers: Orphanet 79401, MedGen C0432317, MONDO:0007555, OMIM 131950.
Epidermolysis bullosa simplex with nail dystrophy (EBS5D). Identifiers: MedGen C4225309, MONDO:0014661, OMIM 616487.
Epidermolysis bullosa simplex 5C, with pyloric atresia (EBS5C). Also called: Epidermolysis bullosa simplex with pyloric atresia; PLEC1-Related Epidermolysis Bullosa with Pyloric Atresia; PLEC-Related Epidermolysis Bullosa with Pyloric Atresia. Identifiers: Orphanet 158684, MedGen C2677349, MONDO:0012807, OMIM 612138.

Allele frequency attached by ClinVar (database versions not stated): gnomAD exomes below 0.00001.
gnomAD v4.1: 1 of 1,581,400 alleles (0.000063%); highest among the groups gnomAD compares: Middle Eastern, 0.017%; no homozygotes.

Submission:

Labcorp Genetics (formerly Invitae), Labcorp
Classification: Uncertain significance for Autosomal recessive limb-girdle muscular dystrophy type 2Q; Epidermolysis bullosa simplex, Ogna type; Epidermolysis bullosa simplex with nail dystrophy; Epidermolysis bullosa simplex 5C, with pyloric atresia; Epidermolysis bullosa simplex 5B, with muscular dystrophy. Last evaluated: 2024-10-21. Review status: criteria provided, single submitter. Criteria: Invitae Variant Classification Sherloc (09022015). Collection method: clinical testing. Allele origin: germline.
Comment: This sequence change replaces glutamic acid, which is acidic and polar, with lysine, which is basic and polar, at codon 2068 of the PLEC protein (p.Glu2068Lys). This variant is not present in population databases (gnomAD no frequency). This variant has not been reported in the literature in individuals affected with PLEC-related conditions. ClinVar contains an entry for this variant (Variation ID: 1480014). An algorithm developed to predict the effect of missense changes on protein structure and function (PolyPhen-2) suggests that this variant is likely to be tolerated. In summary, the available evidence is currently insufficient to determine the role of this variant in disease. Therefore, it has been classified as a Variant of Uncertain Significance.

NM_201384.3(PLEC):c.6121G>A (p.Glu2041Lys)

Gene: PLEC (plectin; minus strand). Cytogenetic location: 8q24.3.
Variant type: single nucleotide variant.
Coding change: c.6121G>A on transcript NM_201384.3 (MANE Select); coding-DNA position 6121, G replaced by A.
Protein change: p.Glu2041Lys; replaces glutamic acid 2041 with lysine.
Molecular consequence: missense variant.
Genome position (GRCh38, 1-based): chr8:143,923,808, C>T on the plus strand (G>A on the coding strand, the complement: PLEC is on the minus strand). VCF-style: chr8-143923808-C-T. GRCh37 (hg19) VCF-style: chr8-144997976-C-T.
Other names: c.6202G>A, p.Glu2068Lys (NM_000445.5); c.6079G>A, p.Glu2027Lys (NM_201378.4); c.6055G>A, p.Glu2019Lys (NM_201379.3); c.6532G>A, p.Glu2178Lys (NM_201380.4); c.6025G>A, p.Glu2009Lys (NM_201381.3); c.6121G>A, p.Glu2041Lys (NM_201382.4); c.6133G>A, p.Glu2045Lys (NM_201383.3); short protein forms E2027K, E2009K, E2019K, E2068K, E2178K, E2041K, E2045K.
Identifiers: ClinVar variation 1480014 (VCV001480014.6), dbSNP rs1554694300, ClinGen allele CA372538908.